The following is an entry in ClinVar:

ClinVar aggregate classification (germline): Uncertain significance (1 of 4 stars; one submission).

Submission:

Dasa
Classification: Uncertain significance. Last evaluated: 2026-02-19. Review status: criteria provided, single submitter. Criteria: DASA Assertion Criteria. Collection method: clinical testing. Allele origin: germline.
Comment: NM_020719.3(PRR12):c.867C>G (p.Ile289Met) is a missense variant that results in the substitution of isoleucine with methionine. This variant is rare in population databases. Computational prediction algorithms are consistent with a benign effect. The currently available literature and clinical evidence are not sufficient to establish a definitive association between this variant and the reported condition. Therefore, this variant is classified as a variant of uncertain significance.

NM_020719.3(PRR12):c.867C>G (p.Ile289Met)

Gene: PRR12 (proline rich 12; plus strand). Cytogenetic location: 19q13.33.
Variant type: single nucleotide variant.
Coding change: c.867C>G on transcript NM_020719.3 (MANE Select); coding-DNA position 867, C replaced by G.
Protein change: p.Ile289Met; replaces isoleucine 289 with methionine.
Molecular consequence: missense variant.
Genome position (GRCh38, 1-based): chr19:49,595,202, C>G. VCF-style: chr19-49595202-C-G. GRCh37 (hg19) VCF-style: chr19-50098459-C-G.
Other names: short protein forms I289M.
Identifiers: ClinVar variation 4883623 (VCV004883623.2).